The following is an entry in ClinVar:

NM_015346.4(ZFYVE26):c.3416del (p.Gly1139fs)

Gene: ZFYVE26 (zinc finger FYVE-type containing 26; minus strand). Cytogenetic location: 14q24.1.
Variant type: Deletion.
Coding change: c.3416del on transcript NM_015346.4 (MANE Select); coding-DNA position 3416, one base deleted (G; older notation c.3416delG).
Protein change: p.Gly1139fs; shifts the reading frame from glycine 1139.
Molecular consequence: frameshift variant.
Genome position (GRCh38, 1-based): chr14:67,785,166, C deleted on the plus strand (G on the coding strand, the reverse complement: ZFYVE26 is on the minus strand); the first of 3 consecutive C bases (chr14:67,785,166-67,785,168); deleting any one gives the same sequence. VCF-style (leftmost placement, unchanged base first): chr14-67785165-GC-G. GRCh37 (hg19) VCF-style: chr14-68251882-GC-G.
Other names: short protein forms G1139fs.
Identifiers: ClinVar variation 1725360 (VCV001725360.2), dbSNP rs2502813891, ClinGen allele CA2580088602.
Genomic context (GRCh38, chr14:67,785,165, plus strand): 5'-GCAGTAACTGAAGAAGGTGCCCAAGTAGTCCATCTGCCTGCTGCCTGATGGGGTCTGTTT[GC>G]CCAGGTTCTTCTGGAGGAGCTGAGTCTGGATCTGCACAGGGTGGGCCTCTGCCTCTGGAG-3'

ClinVar aggregate classification (germline): Likely pathogenic (1 of 4 stars; one submission).

Conditions:
Hereditary spastic paraplegia 15 (SPG15). Also called: SPASTIC PARAPLEGIA 15, AUTOSOMAL RECESSIVE; KJELLIN SYNDROME; SPASTIC PARAPLEGIA AND RETINAL DEGENERATION. Identifiers: Orphanet 100996, MedGen C1849128, MONDO:0010044, OMIM 270700.

Submission:

Myriad Genetics, Inc.
Classification: Likely pathogenic for Hereditary spastic paraplegia 15. Last evaluated: 2022-03-17. Review status: criteria provided, single submitter. Criteria: Myriad Women's Health Autosomal Recessive and X-Linked Classification Criteria (2021). Collection method: clinical testing. Allele origin: unknown.
Comment: NM_015346.3(ZFYVE26):c.3416delG(G1139Afs*32) is expected to be pathogenic in the context of spastic paraplegia type 15. This variant is predicted to lead to an abnormal or absent protein product due to the creation of a premature termination codon in ZFYVE26, a gene where loss-of-function variants are known to be pathogenic. Please note: this variant was assessed in the context of healthy population screening.